The following is an entry in ClinVar:

NM_001081.4(CUBN):c.9079G>A (p.Gly3027Arg)

Gene: CUBN (cubilin; minus strand). Cytogenetic location: 10p13.
Variant type: single nucleotide variant.
Coding change: c.9079G>A on transcript NM_001081.4 (MANE Select); coding-DNA position 9079, G replaced by A.
Protein change: p.Gly3027Arg; replaces glycine 3027 with arginine.
Molecular consequence: missense variant.
Genome position (GRCh38, 1-based): chr10:16,876,924, C>T on the plus strand (G>A on the coding strand, the complement: CUBN is on the minus strand). VCF-style: chr10-16876924-C-T. GRCh37 (hg19) VCF-style: chr10-16918923-C-T.
Other names: short protein forms G3027R.
Identifiers: ClinVar variation 522508 (VCV000522508.45), dbSNP rs150202444, ClinGen allele CA5422823.

ClinVar aggregate classification (germline): Conflicting classifications of pathogenicity. Review status: criteria provided, conflicting classifications (1 of 4 stars). 9 submissions from 9 submitters: Likely pathogenic (1); Uncertain significance (6). 2 of the submissions do not count toward it. Last evaluated 2026-04-27.

Conditions:
Proteinuria, chronic benign. Identifiers: MedGen C5394384, MONDO:0030042, OMIM 618884.
Imerslund-Grasbeck syndrome type 1 (IGS1). Also called: MEGALOBLASTIC ANEMIA, 1; Imerslund-Gräsbeck syndrome 1; Megaloblastic anemia 1, Finnish type. Identifiers: MedGen C4016819, MONDO:0100156, OMIM 261100.
CUBN-related disorder. Also called: CUBN-related condition.
Imerslund-Grasbeck syndrome. Also called: Imerslund-Gräsbeck syndrome; Megaloblastic anemia due to inborn errors of metabolism; ENTEROCYTE COBALAMIN MALABSORPTION; ENTEROCYTE INTRINSIC FACTOR RECEPTOR, DEFECT OF; PERNICIOUS ANEMIA, JUVENILE, DUE TO SELECTIVE INTESTINAL MALABSORPTION OF VITAMIN B12, WITH PROTEINURIA. Identifiers: Orphanet 35858, MedGen C4551825, MONDO:0009853.

Allele frequency attached by ClinVar (database versions not stated): gnomAD exomes 0.00021 and 0.00033; ESP Exome Variant Server 0.00023; ExAC 0.00026; 1000 Genomes Project 30x 0.00016; 1000 Genomes Project 0.00020; TOPMed 0.00020; gnomAD 0.00021.
gnomAD v4.1: 498 of 1,614,066 alleles (0.031%); highest among the groups gnomAD compares: Non-Finnish European, 0.04%; no homozygotes.

Submissions (9):

GeneDx
Classification: Uncertain significance. Last evaluated: 2026-04-27. Review status: criteria provided, single submitter. Criteria: GeneDx Variant Classification Process June 2021. Collection method: clinical testing. Allele origin: germline.
Comment: In silico analysis supports that this missense variant has a deleterious effect on protein structure/function; This variant is associated with the following publications: (PMID: 39390623, 35460704, 31613795)

Labcorp Genetics (formerly Invitae), Labcorp
Classification: Uncertain significance for Imerslund-Grasbeck syndrome. Last evaluated: 2025-10-06. Review status: criteria provided, single submitter. Criteria: Invitae Variant Classification Sherloc (09022015). Collection method: clinical testing. Allele origin: germline.
Comment: This sequence change replaces glycine, which is neutral and non-polar, with arginine, which is basic and polar, at codon 3027 of the CUBN protein (p.Gly3027Arg). This variant is present in population databases (rs150202444, gnomAD 0.04%). This missense change has been observed in individual(s) with clinical features of CUBN-related conditions (PMID: 31613795). ClinVar contains an entry for this variant (Variation ID: 522508). Invitae Evidence Modeling of protein sequence and biophysical properties (such as structural, functional, and spatial information, amino acid conservation, physicochemical variation, residue mobility, and thermodynamic stability) indicates that this missense variant is expected to disrupt CUBN protein function with a positive predictive value of 80%. In summary, the available evidence is currently insufficient to determine the role of this variant in disease. Therefore, it has been classified as a Variant of Uncertain Significance.

MVZ Medizinische Genetik Mainz
Classification: Likely pathogenic for Proteinuria, chronic benign. Last evaluated: 2025-05-14. Review status: criteria provided, single submitter. Criteria: UK Practice Guidelines For Variant Classification V4 01 2020. Collection method: clinical testing. Allele origin: germline. Inheritance: Autosomal recessive inheritance. Affected: yes. Observed: 1 variant allele.
Comment: ACMG Criteria: PM3_STR,PM1,PM2_SUP,PP4; Compound Heterozygote

Fulgent Genetics
Classification: Uncertain significance for Imerslund-Grasbeck syndrome type 1; Proteinuria, chronic benign. Last evaluated: 2024-06-03. Review status: criteria provided, single submitter. Criteria: ACMG Guidelines, 2015. Collection method: clinical testing. Allele origin: germline.

CeGaT Center for Human Genetics Tuebingen
Classification: Uncertain significance. Last evaluated: 2022-11-01. Review status: criteria provided, single submitter. Criteria: CeGaT Center For Human Genetics Tuebingen Variant Classification Criteria Version 2. Collection method: clinical testing. Allele origin: germline. Affected: yes. Observed: 1 variant allele.
Comment: CUBN: PM2, PM3

Athena Diagnostics
Classification: Uncertain significance. Last evaluated: 2020-01-08. Review status: criteria provided, single submitter. Criteria: Athena Diagnostics Criteria. Collection method: clinical testing. Allele origin: unknown.
Comment: This observation is not an independent occurrence and has been identified in the same individual by RCIGM, the other laboratory participating in the GEMINI study.

Illumina Laboratory Services, Illumina
Classification: Uncertain significance for Imerslund-Grasbeck syndrome type 1. Last evaluated: 2018-01-13. Review status: criteria provided, single submitter. Criteria: ICSL Variant Classification Criteria 13 December 2019. Collection method: clinical testing. Allele origin: germline.

PreventionGenetics, part of Exact Sciences
Classification: Likely pathogenic for CUBN-related condition. Last evaluated: 2024-02-22. Review status: no assertion criteria provided. Collection method: clinical testing. Allele origin: germline. Not counted in ClinVar's aggregate classification.
Comment: The CUBN c.9079G>A variant is predicted to result in the amino acid substitution p.Gly3027Arg. This variant has been reported along with a second (but different) pathogenic or likely pathogenic variant in individuals with suspected steroid-resistant nephrotic syndrome (SRNS) and Alport syndrome (genetic kidney disease cohort II). One patient (Family 14) was compound heterozygous for a likely pathogenic missense variant, and one patient (Family 22) had a pathogenic frameshift variant with unknown phase (Table S2 of Bedin et al. 2020. PubMed ID: 31613795). In addition, at PreventionGenetics, we have found this variant along with a second (but different) pathogenic truncating variant in two patients referred for nephrotic syndrome and focal segmental glomerulosclerosis (FSGS) testing; This variant is reported in 0.036% of alleles in individuals of European (Non-Finnish) descent in gnomAD. In summary, this variant is interpreted as likely pathogenic.

Bioscientia Institut fuer Medizinische Diagnostik GmbH, Sonic Healthcare
Classification: Uncertain significance for Imerslund-Grasbeck syndrome type 1. Last evaluated: 2017-10-09. Review status: no assertion criteria provided. Collection method: clinical testing. Allele origin: germline. Affected: yes. Not counted in ClinVar's aggregate classification.

Literature cited by the submitters: PubMed 31613795 (cited by Labcorp Genetics (formerly Invitae), Labcorp).